The following is an entry in ClinVar:

NM_001849.4(COL6A2):c.1396-8_1396-5del

Gene: COL6A2 (collagen type VI alpha 2 chain; plus strand). Cytogenetic location: 21q22.3.
Variant type: Deletion.
Coding change: c.1396-8_1396-5del on transcript NM_001849.4 (MANE Select); 8 bases into the intron before coding-DNA position 1396 through 5 bases into the intron before coding-DNA position 1396, 4 bases deleted (TCTT; older notation c.1396-8_1396-5delTCTT).
Molecular consequence: intron variant.
Genome position (GRCh38, 1-based): chr21:46,121,053-46,121,056, TCTT deleted; deleting any 4 consecutive bases within chr21:46,121,050-46,121,056 gives the same sequence; the c. name uses the placement nearest the transcript's 3' end. VCF-style (leftmost placement, unchanged base first): chr21-46121049-CCTTT-C. GRCh37 (hg19) VCF-style: chr21-47540963-CCTTT-C.
Other names: c.1396-8_1396-5del (NM_058175.3, NM_058174.3).
Identifiers: ClinVar variation 3677652 (VCV003677652.2).

ClinVar aggregate classification (germline): Uncertain significance (1 of 4 stars; one submission).

Conditions:
Bethlem myopathy 1A. Also called: MYOPATHY, BENIGN CONGENITAL, WITH CONTRACTURES; Bethlem myopathy 1; Bethlem Muscular Dystrophy. Identifiers: Orphanet 610, MedGen CN029274, MONDO:0024530, OMIM 158810.

Submission:

Labcorp Genetics (formerly Invitae), Labcorp
Classification: Uncertain significance for Bethlem myopathy 1A. Last evaluated: 2024-05-19. Review status: criteria provided, single submitter. Criteria: Invitae Variant Classification Sherloc (09022015). Collection method: clinical testing. Allele origin: germline.
Comment: This sequence change falls in intron 16 of the COL6A2 gene. It does not directly change the encoded amino acid sequence of the COL6A2 protein. This variant is not present in population databases (gnomAD no frequency). This variant has not been reported in the literature in individuals affected with COL6A2-related conditions. Algorithms developed to predict the effect of sequence changes on RNA splicing suggest that this variant may disrupt the consensus splice site. In summary, the available evidence is currently insufficient to determine the role of this variant in disease. Therefore, it has been classified as a Variant of Uncertain Significance.